The following is an entry in ClinVar:

NM_015662.3(IFT172):c.3575A>G (p.Glu1192Gly)

Genes: IFT172 (intraflagellar transport 172; minus strand), LOC126806173 (BRD4-independent group 4 enhancer GRCh37_chr2:27676057-27677256; plus strand). Cytogenetic location: 2p23.3.
Variant type: single nucleotide variant.
Coding change: c.3575A>G on transcript NM_015662.3 (MANE Select); coding-DNA position 3575, A replaced by G.
Protein change: p.Glu1192Gly; replaces glutamic acid 1192 with glycine.
Molecular consequence: missense variant.
Genome position (GRCh38, 1-based): chr2:27,454,118, T>C on the plus strand (A>G on the coding strand, the complement: IFT172 is on the minus strand). VCF-style: chr2-27454118-T-C. GRCh37 (hg19) VCF-style: chr2-27676985-T-C.
Other names: short protein forms E1192G.
Identifiers: ClinVar variation 1038886 (VCV001038886.5), dbSNP rs1356192791, ClinGen allele CA346378609.
Genomic context (GRCh38, chr2:27,454,118, plus strand): 5'-TCCAAGGCCCCCCGGGCCTGTCCCACAAGCACCTCGGCGACACTGTCAGGGTCGTGAGCC[T>C]CAGCCACACGCTGAGCTGCCTCCCAATCCTGGTTATGGACAAACCTGCCTCCAGGTGGGG-3'
Protein context (NP_056477.1, residues 1182-1202): QDWEAAQRVA[Glu1192Gly]AHDPDSVAEV

ClinVar aggregate classification (germline): Uncertain significance (1 of 4 stars; one submission).

Conditions:
Short-rib thoracic dysplasia 10 with or without polydactyly (SRTD10). Identifiers: Orphanet 474, MedGen C3810175, MONDO:0014284, OMIM 615630.
Retinitis pigmentosa 71 (RP71). Identifiers: Orphanet 791, MedGen C4225342, MONDO:0014618, OMIM 616394.

Allele frequency attached by ClinVar (database versions not stated): gnomAD exomes 0.00001; TOPMed below 0.00001; gnomAD 0.00001.

Submission:

Labcorp Genetics (formerly Invitae), Labcorp
Classification: Uncertain significance for Retinitis pigmentosa 71; Short-rib thoracic dysplasia 10 with or without polydactyly. Last evaluated: 2025-03-17. Review status: criteria provided, single submitter. Criteria: Invitae Variant Classification Sherloc (09022015). Collection method: clinical testing. Allele origin: germline.
Comment: This sequence change replaces glutamic acid, which is acidic and polar, with glycine, which is neutral and non-polar, at codon 1192 of the IFT172 protein (p.Glu1192Gly). This variant is not present in population databases (gnomAD no frequency). This missense change has been observed in individual(s) with myelomeningocele (PMID: 33574475). ClinVar contains an entry for this variant (Variation ID: 1038886). Invitae Evidence Modeling of protein sequence and biophysical properties (such as structural, functional, and spatial information, amino acid conservation, physicochemical variation, residue mobility, and thermodynamic stability) has been performed for this missense variant. However, the output from this modeling did not meet the statistical confidence thresholds required to predict the impact of this variant on IFT172 protein function. In summary, the available evidence is currently insufficient to determine the role of this variant in disease. Therefore, it has been classified as a Variant of Uncertain Significance.

Literature cited by the submitters: PubMed 33574475.